The following is an entry in ClinVar:

NM_001190274.2(FBXO11):c.1446T>A (p.Phe482Leu)

Gene: FBXO11 (F-box protein 11; minus strand). Cytogenetic location: 2p16.3.
Variant type: single nucleotide variant.
Coding change: c.1446T>A on transcript NM_001190274.2 (MANE Select); coding-DNA position 1446, T replaced by A.
Protein change: p.Phe482Leu; replaces phenylalanine 482 with leucine.
Molecular consequence: missense variant.
Genome position (GRCh38, 1-based): chr2:47,823,313, A>T on the plus strand (T>A on the coding strand, the complement: FBXO11 is on the minus strand). VCF-style: chr2-47823313-A-T. GRCh37 (hg19) VCF-style: chr2-48050452-A-T.
Other names: c.1194T>A, p.Phe398Leu (NM_001374325.1, NM_025133.4); short protein forms F398L, F482L.
Identifiers: ClinVar variation 4056020 (VCV004056020.1).

ClinVar aggregate classification (germline): Uncertain significance (1 of 4 stars; one submission).

gnomAD v4.1: 1 of 1,613,744 alleles (0.000062%); highest among the groups gnomAD compares: Non-Finnish European, 0.000085%; no homozygotes.

Submission:

GeneDx
Classification: Uncertain significance. Last evaluated: 2025-01-04. Review status: criteria provided, single submitter. Criteria: GeneDx Variant Classification Process June 2021. Collection method: clinical testing. Allele origin: germline. Affected: yes.
Comment: Not observed at significant frequency in large population cohorts (gnomAD); In silico analysis indicates that this missense variant does not alter protein structure/function; Has not been previously published as pathogenic or benign to our knowledge